The following is an entry in ClinVar:

ClinVar aggregate classification (germline): Uncertain significance. Review status: criteria provided, multiple submitters, no conflicts (2 of 4 stars). 2 submissions from 2 submitters: Uncertain significance (2). Last evaluated 2024-10-02.

Allele frequency attached by ClinVar (database versions not stated): gnomAD exomes below 0.00001; TOPMed 0.00001.
gnomAD v4.1: 23 of 1,613,134 alleles (0.0014%); highest among the groups gnomAD compares: Admixed American, 0.0017%; no homozygotes.

Submissions (2):

Blueprint Genetics
Classification: Uncertain significance. Last evaluated: 2024-10-02. Review status: criteria provided, single submitter. Criteria: ACMG Guidelines, 2015. Collection method: clinical testing. Allele origin: germline.

Labcorp Genetics (formerly Invitae), Labcorp
Classification: Uncertain significance. Last evaluated: 2021-08-31. Review status: criteria provided, single submitter. Criteria: Invitae Variant Classification Sherloc (09022015). Collection method: clinical testing. Allele origin: germline.
Comment: This sequence change replaces arginine with histidine at codon 1100 of the ARHGEF18 protein (p.Arg1100His). The arginine residue is highly conserved and there is a small physicochemical difference between arginine and histidine. This variant is not present in population databases (ExAC no frequency). This variant has not been reported in the literature in individuals affected with ARHGEF18-related conditions. Algorithms developed to predict the effect of missense changes on protein structure and function output the following: SIFT: "Deleterious"; PolyPhen-2: "Probably Damaging"; Align-GVGD: "Class C25". The histidine amino acid residue is found in multiple mammalian species, which suggests that this missense change does not adversely affect protein function. In summary, the available evidence is currently insufficient to determine the role of this variant in disease. Therefore, it has been classified as a Variant of Uncertain Significance.

NM_001367823.1(ARHGEF18):c.3863G>A (p.Arg1288His)

Gene: ARHGEF18 (Rho/Rac guanine nucleotide exchange factor 18; plus strand). Cytogenetic location: 19p13.2.
Variant type: single nucleotide variant.
Coding change: c.3863G>A on transcript NM_001367823.1 (MANE Select); coding-DNA position 3863, G replaced by A.
Protein change: p.Arg1288His; replaces arginine 1288 with histidine.
Molecular consequence: missense variant.
Genome position (GRCh38, 1-based): chr19:7,469,979, G>A. VCF-style: chr19-7469979-G-A. GRCh37 (hg19) VCF-style: chr19-7534865-G-A.
Other names: c.3137G>A, p.Arg1046His (NM_001130955.2); c.2825G>A, p.Arg942His (NM_001367824.1, NM_015318.4); short protein forms R1046H, R1288H, R942H.
Identifiers: ClinVar variation 1061788 (VCV001061788.7), dbSNP rs1035059029, ClinGen allele CA304858383.